The following is an entry in ClinVar:

ClinVar aggregate classification (germline): Uncertain significance. Review status: criteria provided, multiple submitters, no conflicts (2 of 4 stars). 2 submissions from 2 submitters: Uncertain significance (2). Last evaluated 2025-08-04.

Allele frequency attached by ClinVar (database versions not stated): TOPMed 0.00019; ExAC 0.00007; gnomAD exomes 0.00001; gnomAD 0.00018; 1000 Genomes Project 0.00020; 1000 Genomes Project 30x 0.00031.
gnomAD v4.1: 47 of 1,613,680 alleles (0.0029%); highest among the groups gnomAD compares: African/African-American, 0.048%; no homozygotes.

Submissions (2):

Labcorp Genetics (formerly Invitae), Labcorp
Classification: Uncertain significance. Last evaluated: 2025-08-04. Review status: criteria provided, single submitter. Criteria: Invitae Variant Classification Sherloc (09022015). Collection method: clinical testing. Allele origin: germline.
Comment: This sequence change replaces valine, which is neutral and non-polar, with alanine, which is neutral and non-polar, at codon 43 of the GJB4 protein (p.Val43Ala). This variant is present in population databases (rs534084173, gnomAD 0.05%), and has an allele count higher than expected for a pathogenic variant. This variant has not been reported in the literature in individuals affected with GJB4-related conditions. ClinVar contains an entry for this variant (Variation ID: 1723469). Invitae Evidence Modeling of protein sequence and biophysical properties (such as structural, functional, and spatial information, amino acid conservation, physicochemical variation, residue mobility, and thermodynamic stability) indicates that this missense variant is not expected to disrupt GJB4 protein function with a negative predictive value of 80%. In summary, the available evidence is currently insufficient to determine the role of this variant in disease. Therefore, it has been classified as a Variant of Uncertain Significance.

GeneDx
Classification: Uncertain significance. Last evaluated: 2022-05-11. Review status: criteria provided, single submitter. Criteria: GeneDx Variant Classification Process June 2021. Collection method: clinical testing. Allele origin: germline. Affected: yes.
Comment: Has not been previously published as pathogenic or benign to our knowledge; In silico analysis supports that this missense variant has a deleterious effect on protein structure/function

NM_153212.3(GJB4):c.128T>C (p.Val43Ala)

Gene: GJB4 (gap junction protein beta 4; plus strand). Cytogenetic location: 1p34.3.
Variant type: single nucleotide variant.
Coding change: c.128T>C on transcript NM_153212.3 (MANE Select); coding-DNA position 128, T replaced by C.
Protein change: p.Val43Ala; replaces valine 43 with alanine.
Molecular consequence: missense variant.
Genome position (GRCh38, 1-based): chr1:34,761,382, T>C. VCF-style: chr1-34761382-T-C. GRCh37 (hg19) VCF-style: chr1-35226983-T-C.
Other names: short protein forms V43A.
Identifiers: ClinVar variation 1723469 (VCV001723469.5), dbSNP rs534084173, ClinGen allele CA754483.